The following is an entry in ClinVar:

NM_005477.3(HCN4):c.2840G>C (p.Gly947Ala)

Gene: HCN4 (hyperpolarization activated cyclic nucleotide gated potassium channel 4; minus strand). Cytogenetic location: 15q24.1.
Variant type: single nucleotide variant.
Coding change: c.2840G>C on transcript NM_005477.3 (MANE Select); coding-DNA position 2840, G replaced by C.
Protein change: p.Gly947Ala; replaces glycine 947 with alanine.
Molecular consequence: missense variant.
Genome position (GRCh38, 1-based): chr15:73,323,253, C>G on the plus strand (G>C on the coding strand, the complement: HCN4 is on the minus strand). VCF-style: chr15-73323253-C-G. GRCh37 (hg19) VCF-style: chr15-73615594-C-G.
Other names: short protein forms G947A.
Identifiers: ClinVar variation 1987732 (VCV001987732.4), dbSNP rs1207971398, ClinGen allele CA393087342.

ClinVar aggregate classification (germline): Uncertain significance (1 of 4 stars; one submission).

Conditions:
Brugada syndrome 8 (BRGDA8). Identifiers: Orphanet 130, MedGen C2751083, MONDO:0013148, OMIM 613123.

Allele frequency attached by ClinVar (database versions not stated): gnomAD exomes below 0.00001.
gnomAD v4.1: 2 of 1,523,590 alleles (0.00013%); highest among the groups gnomAD compares: Admixed American, 0.0021%; no homozygotes.

Submission:

Labcorp Genetics (formerly Invitae), Labcorp
Classification: Uncertain significance for Brugada syndrome 8. Last evaluated: 2022-08-12. Review status: criteria provided, single submitter. Criteria: Invitae Variant Classification Sherloc (09022015). Collection method: clinical testing. Allele origin: germline.
Comment: In summary, the available evidence is currently insufficient to determine the role of this variant in disease. Therefore, it has been classified as a Variant of Uncertain Significance. Advanced modeling of protein sequence and biophysical properties (such as structural, functional, and spatial information, amino acid conservation, physicochemical variation, residue mobility, and thermodynamic stability) performed at Invitae indicates that this missense variant is not expected to disrupt HCN4 protein function. This variant has not been reported in the literature in individuals affected with HCN4-related conditions. This variant is present in population databases (no rsID available, gnomAD 0.005%). This sequence change replaces glycine, which is neutral and non-polar, with alanine, which is neutral and non-polar, at codon 947 of the HCN4 protein (p.Gly947Ala).